The following is an entry in ClinVar:

ClinVar aggregate classification (germline): Likely benign. Review status: reviewed by expert panel (3 of 4 stars). 4 submissions from 4 submitters: Likely benign (1). 3 of the submissions do not count toward it. Last evaluated 2017-06-29.

Conditions:
Hereditary cancer-predisposing syndrome. Also called: Tumor predisposition; Hereditary neoplastic syndrome; Neoplastic Syndromes, Hereditary; Hereditary Cancer Syndrome. Identifiers: Orphanet 140162, MedGen C0027672, MeSH D009386, MONDO:0015356.
Hereditary breast ovarian cancer syndrome. Also called: Hereditary breast and ovarian cancer; BRCA1- and BRCA2-Associated Hereditary Breast and Ovarian Cancer; Hereditary breast and/or ovarian cancer syndrome; Hereditary breast and ovarian cancer syndrome; Hereditary breast and ovarian cancer syndrome (HBOC); Breast and ovarian cancer. Identifiers: Orphanet 145, MedGen C0677776, MeSH D061325, MONDO:0003582. Disease mechanism: loss of function.
Breast-ovarian cancer, familial, susceptibility to, 2 (BROVCA2). Also called: BRCA2 Hereditary Breast and Ovarian Cancer. Identifiers: Orphanet 145, MedGen C2675520, MONDO:0012933, OMIM 612555. Disease mechanism: loss of function.

Allele frequency attached by ClinVar (database versions not stated): TOPMed 0.00001.

Submissions (4):

Evidence-based Network for the Interpretation of Germline Mutant Alleles (ENIGMA)
Classification: Likely benign for Breast-ovarian cancer, familial, susceptibility to, 2. Last evaluated: 2017-06-29. Review status: reviewed by expert panel. Criteria: ENIGMA BRCA1/2 Classification Criteria (2017-06-29). Collection method: curation. Allele origin: germline.
Comment: Synonymous substitution variant, with low bioinformatic likelihood to result in a splicing aberration (Splicing prior probability 0.02).

Labcorp Genetics (formerly Invitae), Labcorp
Classification: Likely benign for Hereditary breast ovarian cancer syndrome. Last evaluated: 2024-03-26. Review status: criteria provided, single submitter. Criteria: Invitae Variant Classification Sherloc (09022015). Collection method: clinical testing. Allele origin: germline. Not counted in ClinVar's aggregate classification.

Ambry Genetics
Classification: Likely benign for Hereditary cancer-predisposing syndrome. Last evaluated: 2022-04-19. Review status: criteria provided, single submitter. Criteria: Ambry Variant Classification Scheme 2023. Collection method: clinical testing. Allele origin: germline. Not counted in ClinVar's aggregate classification.

GeneDx
Classification: Likely benign. Last evaluated: 2018-05-10. Review status: criteria provided, single submitter. Criteria: GeneDx Variant Classification (06012015). Collection method: clinical testing. Allele origin: germline. Affected: yes. Not counted in ClinVar's aggregate classification.
Comment: This variant is considered likely benign or benign based on one or more of the following criteria: it is a conservative change, it occurs at a poorly conserved position in the protein, it is predicted to be benign by multiple in silico algorithms, and/or has population frequency not consistent with disease.

NM_000059.4(BRCA2):c.30A>G (p.Thr10=)

Gene: BRCA2 (BRCA2 DNA repair associated; plus strand). Cytogenetic location: 13q13.1.
Variant type: single nucleotide variant.
Coding change: c.30A>G on transcript NM_000059.4 (MANE Select); coding-DNA position 30, A replaced by G.
Protein change: p.Thr10=; no amino-acid change (threonine 10 retained).
Molecular consequence: synonymous variant.
Genome position (GRCh38, 1-based): chr13:32,316,490, A>G. VCF-style: chr13-32316490-A-G. GRCh37 (hg19) VCF-style: chr13-32890627-A-G.
Identifiers: ClinVar variation 219687 (VCV000219687.15), dbSNP rs864622207, ClinGen allele CA349067.